The following is an entry in ClinVar:

ClinVar aggregate classification (germline): Uncertain significance (1 of 4 stars; one submission).

Submission:

Ambry Genetics
Classification: Uncertain significance. Last evaluated: 2024-03-19. Review status: criteria provided, single submitter. Criteria: Ambry Variant Classification Scheme 2023. Collection method: clinical testing. Allele origin: germline.
Comment: The p.Q1375P variant (also known as c.4124A>C), located in coding exon 11 of the MLH3 gene, results from an A to C substitution at nucleotide position 4124. The glutamine at codon 1375 is replaced by proline, an amino acid with similar properties. This amino acid position is conserved. In addition, this alteration is predicted to be tolerated by in silico analysis. Based on the available evidence, the clinical significance of this alteration remains unclear.

NM_001040108.2(MLH3):c.4124A>C (p.Gln1375Pro)

Gene: MLH3 (mutL homolog 3; minus strand). Cytogenetic location: 14q24.3.
Variant type: single nucleotide variant.
Coding change: c.4124A>C on transcript NM_001040108.2 (MANE Select); coding-DNA position 4124, A replaced by C.
Protein change: p.Gln1375Pro; replaces glutamine 1375 with proline.
Molecular consequence: missense variant.
Genome position (GRCh38, 1-based): chr14:75,018,947, T>G on the plus strand (A>C on the coding strand, the complement: MLH3 is on the minus strand). VCF-style: chr14-75018947-T-G. GRCh37 (hg19) VCF-style: chr14-75485650-T-G.
Other names: c.4052A>C, p.Gln1351Pro (NM_014381.3); short protein forms Q1351P, Q1375P.
Identifiers: ClinVar variation 3295091 (VCV003295091.1).